The following is an entry in ClinVar:

ClinVar aggregate classification (germline): Benign. Review status: criteria provided, multiple submitters, no conflicts (2 of 4 stars). 7 submissions from 7 submitters: Benign (7). Last evaluated 2026-02-04.

Conditions:
Weill-Marchesani 4 syndrome, recessive. Also called: Weill-Marchesani syndrome 4. Identifiers: Orphanet 363992, MedGen C2750787, MONDO:0013176, OMIM 613195.

Allele frequency attached by ClinVar (database versions not stated): gnomAD exomes 0.14098 and 0.14763; 1000 Genomes Project 30x 0.14460; ExAC 0.14561; 1000 Genomes Project 0.14577; gnomAD 0.15535 and 0.15651; TOPMed 0.15877; ESP Exome Variant Server 0.16608.
gnomAD v4.1: 240,037 of 1,613,936 alleles (15%); highest among the groups gnomAD compares: Middle Eastern, 22%; 18,976 homozygotes.

Submissions (7):

Labcorp Genetics (formerly Invitae), Labcorp
Classification: Benign. Last evaluated: 2026-02-04. Review status: criteria provided, single submitter. Criteria: Invitae Variant Classification Sherloc (09022015). Collection method: clinical testing. Allele origin: germline.

Blueprint Genetics
Classification: Benign. Last evaluated: 2024-11-27. Review status: criteria provided, single submitter. Criteria: ACMG Guidelines, 2015. Collection method: clinical testing. Allele origin: germline.

Mayo Clinic Laboratories, Mayo Clinic
Classification: Benign. Last evaluated: 2022-04-26. Review status: criteria provided, single submitter. Criteria: ACMG Guidelines, 2015. Collection method: clinical testing. Allele origin: germline. Observed: 227 variant alleles.

Genome-Nilou Lab
Classification: Benign for Weill-Marchesani 4 syndrome, recessive. Last evaluated: 2021-07-14. Review status: criteria provided, single submitter. Criteria: ACMG Guidelines, 2015. Collection method: clinical testing. Allele origin: germline. Affected: no.

GeneDx
Classification: Benign. Last evaluated: 2018-09-04. Review status: criteria provided, single submitter. Criteria: GeneDx Variant Classification Process June 2021. Collection method: clinical testing. Allele origin: germline. Affected: yes.

Illumina Laboratory Services, Illumina
Classification: Benign for Weill-Marchesani 4 syndrome, recessive. Last evaluated: 2018-01-12. Review status: criteria provided, single submitter. Criteria: ICSL Variant Classification Criteria 13 December 2019. Collection method: clinical testing. Allele origin: germline.
Comment: This variant was observed in the ICSL laboratory as part of a predisposition screen in an ostensibly healthy population. It had not been previously curated by ICSL or reported in the Human Gene Mutation Database (HGMD: prior to June 1st, 2018), and was therefore a candidate for classification through an automated scoring system. Utilizing variant allele frequency, disease prevalence and penetrance estimates, and inheritance mode, an automated score was calculated to assess if this variant is too frequent to cause the disease. Based on the score and internal cut-off values, a variant classified as benign is not then subjected to further curation. The score for this variant resulted in a classification of benign for this disease.

Breakthrough Genomics
Classification: Benign. Review status: criteria provided, single submitter. Criteria: ACMG Guidelines, 2015. Collection method: not provided. Allele origin: germline. Inheritance: Autosomal recessive inheritance. Affected: yes.

NM_139057.4(ADAMTS17):c.1445T>C (p.Met482Thr)

Gene: ADAMTS17 (ADAM metallopeptidase with thrombospondin type 1 motif 17; minus strand). Cytogenetic location: 15q26.3.
Variant type: single nucleotide variant.
Coding change: c.1445T>C on transcript NM_139057.4 (MANE Select); coding-DNA position 1445, T replaced by C.
Protein change: p.Met482Thr; replaces methionine 482 with threonine.
Molecular consequence: missense variant.
Genome position (GRCh38, 1-based): chr15:100,152,640, A>G on the plus strand (T>C on the coding strand, the complement: ADAMTS17 is on the minus strand). VCF-style: chr15-100152640-A-G. GRCh37 (hg19) VCF-style: chr15-100692845-A-G.
Other names: short protein forms M482T.
Identifiers: ClinVar variation 315290 (VCV000315290.21), dbSNP rs28567966, ClinGen allele CA7758242.